The following is an entry in ClinVar:

ClinVar aggregate classification (germline): Uncertain significance. Review status: criteria provided, multiple submitters, no conflicts (2 of 4 stars). 3 submissions from 3 submitters: Uncertain significance (3). Last evaluated 2024-11-27.

Conditions:
Inborn genetic diseases. Identifiers: MedGen C0950123, MeSH D030342.
Congenital myotonia, autosomal recessive form. Also called: BECKER DISEASE; Becker Generalized Myotonia; myotonia congenita, autosomal recessive. Identifiers: Orphanet 614, MedGen C0751360, MONDO:0009715, OMIM 255700.
Congenital myotonia, autosomal dominant form (THD). Also called: THOMSEN DISEASE; Myotonia congenita autosomal dominant. Identifiers: Orphanet 614, MedGen C2936781, MONDO:0008055, OMIM 160800.

Allele frequency attached by ClinVar (database versions not stated): ExAC 0.00001.
gnomAD v4.1: 11 of 1,613,158 alleles (0.00068%); highest among the groups gnomAD compares: Non-Finnish European, 0.00093%; no homozygotes.

Submissions (3):

Labcorp Genetics (formerly Invitae), Labcorp
Classification: Uncertain significance for Congenital myotonia, autosomal recessive form; Congenital myotonia, autosomal dominant form. Last evaluated: 2024-11-27. Review status: criteria provided, single submitter. Criteria: Invitae Variant Classification Sherloc (09022015). Collection method: clinical testing. Allele origin: germline.
Comment: This sequence change replaces serine, which is neutral and polar, with isoleucine, which is neutral and non-polar, at codon 18 of the CLCN1 protein (p.Ser18Ile). This variant is present in population databases (rs774525961, gnomAD 0.002%). This variant has not been reported in the literature in individuals affected with CLCN1-related conditions. ClinVar contains an entry for this variant (Variation ID: 2139436). Invitae Evidence Modeling of protein sequence and biophysical properties (such as structural, functional, and spatial information, amino acid conservation, physicochemical variation, residue mobility, and thermodynamic stability) has been performed for this missense variant. However, the output from this modeling did not meet the statistical confidence thresholds required to predict the impact of this variant on CLCN1 protein function. In summary, the available evidence is currently insufficient to determine the role of this variant in disease. Therefore, it has been classified as a Variant of Uncertain Significance.

Women's Health and Genetics/Laboratory Corporation of America, LabCorp
Classification: Uncertain significance. Last evaluated: 2024-02-28. Review status: criteria provided, single submitter. Criteria: LabCorp Variant Classification Summary - May 2015. Collection method: clinical testing. Allele origin: germline.
Comment: Variant summary: CLCN1 c.53G>T (p.Ser18Ile) results in a non-conservative amino acid change in the encoded protein sequence. Four of five in-silico tools predict a benign effect of the variant on protein function. The variant allele was found at a frequency of 4e-06 in 250996 control chromosomes. The available data on variant occurrences in the general population are insufficient to allow any conclusion about variant significance. To our knowledge, no occurrence of c.53G>T in individuals affected with Congenital Myotonia, Autosomal Recessive Form and no experimental evidence demonstrating its impact on protein function have been reported. ClinVar contains an entry for this variant (Variation ID: 2139436). Based on the evidence outlined above, the variant was classified as uncertain significance.

Ambry Genetics
Classification: Uncertain significance for Inborn genetic diseases. Last evaluated: 2023-07-17. Review status: criteria provided, single submitter. Criteria: Ambry Variant Classification Scheme 2023. Collection method: clinical testing. Allele origin: germline.

NM_000083.3(CLCN1):c.53G>T (p.Ser18Ile)

Gene: CLCN1 (chloride voltage-gated channel 1; plus strand). Cytogenetic location: 7q34.
Variant type: single nucleotide variant.
Coding change: c.53G>T on transcript NM_000083.3 (MANE Select); coding-DNA position 53, G replaced by T.
Protein change: p.Ser18Ile; replaces serine 18 with isoleucine.
Molecular consequence: missense variant. On other transcripts: non-coding transcript variant (1).
Genome position (GRCh38, 1-based): chr7:143,316,265, G>T. VCF-style: chr7-143316265-G-T. GRCh37 (hg19) VCF-style: chr7-143013358-G-T.
Other names: c.53G>T (NM_000083.2); short protein forms S18I.
Identifiers: ClinVar variation 2139436 (VCV002139436.8), dbSNP rs774525961, ClinGen allele CA4536807.
Genomic context (GRCh38, chr7:143,316,265, plus strand): 5'-GAGGGAATATGGAGCAATCCCGGTCACAGCAGCGTGGGGGTGAACAAAGCTGGTGGGGTA[G>T]TGACCCCCAGTACCAGTATATGCCCTTTGAACACTGCACCAGCTACGGACTGCCCTCTGA-3'
Protein context (NP_000074.3, residues 8-28): QRGGEQSWWG[Ser18Ile]DPQYQYMPFE